The following is an entry in ClinVar:

NM_001368809.2(AMPD2):c.1378T>C (p.Ser460Pro)

Genes: AMPD2 (adenosine monophosphate deaminase 2; plus strand), LOC126805822 (BRD4-independent group 4 enhancer GRCh37_chr1:110170748-110171947; plus strand). Cytogenetic location: 1p13.3.
Variant type: single nucleotide variant.
Coding change: c.1378T>C on transcript NM_001368809.2 (MANE Select); coding-DNA position 1378, T replaced by C.
Protein change: p.Ser460Pro; replaces serine 460 with proline.
Molecular consequence: missense variant.
Genome position (GRCh38, 1-based): chr1:109,628,466, T>C. VCF-style: chr1-109628466-T-C. GRCh37 (hg19) VCF-style: chr1-110171088-T-C.
Other names: c.1186T>C, p.Ser396Pro (NM_001257361.2); c.1315T>C, p.Ser439Pro (NM_001308170.1); c.1378T>C, p.Ser460Pro (NM_004037.9); c.1297T>C, p.Ser433Pro (NM_139156.4); short protein forms S396P, S433P, S439P, S460P.
Identifiers: ClinVar variation 4856313 (VCV004856313.1).
Genomic context (GRCh38, chr1:109,628,466, plus strand): 5'-TACAACCCTATTGGGGAGTCCGTCCTCCGAGAGATCTTCATCAAGACGGACAACAGGGTA[T>C]CTGGGAAGTACTTTGCTCACATCATCAAGGTAAGGAGGCAGCCTTCCCTGCCAAGCCTCG-3'
Protein context (NP_001355738.1, residues 450-470): EIFIKTDNRV[Ser460Pro]GKYFAHIIKE

ClinVar aggregate classification (germline): Uncertain significance (1 of 4 stars; one submission).

Conditions:
Hereditary spastic paraplegia 63. Also called: Spastic paraplegia 63, autosomal recessive. Identifiers: Orphanet 401805, MedGen C3810295, MONDO:0014305, OMIM 615686.

Submission:

3billion
Classification: Uncertain significance for Hereditary spastic paraplegia 63. Last evaluated: 2025-12-26. Review status: criteria provided, single submitter. Criteria: ACMG Guidelines, 2015. Collection method: clinical testing. Allele origin: germline. Affected: yes.
Comment: The variant is not observed in the gnomAD v4.1.0 dataset. Predicted Consequence/Location: Missense variant Damaging effect on gene or gene product predicted by in silico programs is uncertain [REVEL: 0.57 (damaging >=0.6, benign <0.4), 3Cnet: 0.01 (damaging >0.75, benign <0.1)]. The same nucleotide change resulting in the same amino acid change has been previously reported to be associated with AMPD2-related disorder (PMID: 36305856). However, the evidence of pathogenicity is insufficient at this time. Therefore, this variant is classified as VUS according to the recommendation of ACMG/AMP guideline.

Literature cited by the submitters: PubMed 36305856.